The following is an entry in ClinVar:

NM_001377265.1(MAPT):c.2078C>T (p.Pro693Leu)

Gene: MAPT (microtubule associated protein tau). Cytogenetic location: 17q21.31.
Variant type: single nucleotide variant.
Coding change: c.2078C>T on transcript NM_001377265.1 (MANE Select); coding-DNA position 2078, C replaced by T.
Protein change: p.Pro693Leu; replaces proline 693 with leucine.
Molecular consequence: missense variant. On other transcripts: intron variant (6).
Genome position (GRCh38, 1-based): chr17:46,010,389, C>T. VCF-style: chr17-46010389-C-T. GRCh37 (hg19) VCF-style: chr17-44087755-C-T.
Other names: c.1907C>T, p.Pro636Leu (NM_001123066.4); c.815C>T, p.Pro272Leu (NM_001123067.4); c.902C>T, p.Pro301Leu (NM_005910.6); c.728C>T, p.Pro243Leu (NM_016834.5); c.1853C>T, p.Pro618Leu (NM_016835.5); c.649-3854C>T (NM_001377268.1, NM_016841.5); c.823-3854C>T (NM_001203252.2); c.1801-3854C>T (NM_001377266.1); and 1 more; short protein forms P301L, P243L, P272L, P618L, P636L, P693L.
Identifiers: ClinVar variation 14245 (VCV000014245.60), dbSNP rs63751273, ClinGen allele CA225444.
Genomic context (GRCh38, chr17:46,010,389, plus strand): 5'-AGCTGGATCTTAGCAACGTCCAGTCCAAGTGTGGCTCAAAGGATAATATCAAACACGTCC[C>T]GGGAGGCGGCAGTGTGAGTACCTTCACACGTCCCATGCGCCGTGCTGTGGCTTGAATTAT-3'
Protein context (NP_001364194.1, residues 683-703): CGSKDNIKHV[Pro693Leu]GGGSVQIVYK

ClinVar aggregate classification (germline): Pathogenic. Review status: criteria provided, multiple submitters, no conflicts (2 of 4 stars). 15 submissions from 14 submitters: Pathogenic (12). 3 of the submissions do not count toward it. Last evaluated 2026-08-18.

Conditions:
MAPT-related disorder. Also called: MAPT-related condition; MAPT-Related Disorders.
Supranuclear palsy, progressive, 1 (PSNP1). Also called: STEELE-RICHARDSON-OLSZEWSKI SYNDROME. Identifiers: Orphanet 240071, MedGen C4551863, MONDO:0010997, OMIM 601104.
Pick disease. Also called: PICK DISEASE OF BRAIN; LOBAR ATROPHY OF BRAIN; Pick's disease; DEMENTIA WITH LOBAR ATROPHY AND NEURONAL CYTOPLASMIC INCLUSIONS; Pick Disease of the Brain. Identifiers: Orphanet 282, MedGen C0236642, MONDO:0008243, OMIM 172700.
Parkinson disease, late-onset (PD). Also called: Susceptibility to Parkinson's Disease; Hereditary late onset Parkinson disease; PARKINSON DISEASE, LATE-ONSET, SUSCEPTIBILITY TO. Identifiers: Orphanet 411602, MedGen C3160718, MONDO:0008199, OMIM 168600.
Progressive supranuclear palsy-parkinsonism syndrome. Also called: Supranuclear palsy, progressive, 1, atypical; Progressive supranuclear palsy atypical; Atypical PSP; PARKINSON-DEMENTIA SYNDROME. Identifiers: Orphanet 240085, Orphanet 683, Orphanet 99750, MedGen C1850077, MONDO:0009839, OMIM 260540.
Frontotemporal dementia (FTD1). Also called: Dementia, frontotemporal, with or without parkinsonism; MULTIPLE SYSTEM TAUOPATHY WITH PRESENILE DEMENTIA; Frontotemporal lobe dementia (FLDEM); FRONTOTEMPORAL DEMENTIA WITH PARKINSONISM; FRONTOTEMPORAL LOBE DEMENTIA; FRONTOTEMPORAL LOBAR DEGENERATION WITH TAU INCLUSIONS. Identifiers: Orphanet 282, MedGen C0338451, MONDO:0017276, OMIM 600274, HP:0002145.
Progressive supranuclear ophthalmoplegia. Identifiers: MedGen C4551862.

gnomAD v4.1: 3 of 1,574,190 alleles (0.00019%); highest among the groups gnomAD compares: Non-Finnish European, 0.00026%; no homozygotes.

Submissions 1 to 10 of 15:

PreventionGenetics, part of Exact Sciences
Classification: Pathogenic for MAPT-related condition. Last evaluated: 2026-08-18. Review status: criteria provided, single submitter. Criteria: ACMG Guidelines, 2015. Collection method: clinical testing. Allele origin: germline.
Comment: The MAPT c.1907C>T variant is predicted to result in the amino acid substitution p.Pro636Leu. This variant, also reported as c.902C>T (p.Pro301Leu) using a different transcript NM_005910.6, has been repeatedly documented to be pathogenic in patients with frontotemporal dementia (Blauwendraat et al. 2018. PubMed ID: 30528841;Borrego-Écija et al. 2017. PubMed ID: 28934750; Dumanchin et al. 1998. PubMed ID: 9736786; Gatto et al. 2017. PubMed ID: 28268100). The c.1907C>T variant has also been interpreted as pathogenic by other labs in the ClinVar database (Variation ID: 14245). This variant is reported in 0.0013% of alleles in individuals of European (non-Finnish) descent in gnomAD. This variant is interpreted as pathogenic.

Labcorp Genetics (formerly Invitae), Labcorp
Classification: Pathogenic for Frontotemporal dementia. Last evaluated: 2026-02-03. Review status: criteria provided, single submitter. Criteria: Invitae Variant Classification Sherloc (09022015). Collection method: clinical testing. Allele origin: germline.
Comment: This sequence change replaces proline, which is neutral and non-polar, with leucine, which is neutral and non-polar, at codon 301 of the MAPT protein (p.Pro301Leu). The frequency data for this variant in the population databases is considered unreliable, as metrics indicate poor data quality at this position in the gnomAD database. This missense change has been observed in individual(s) with frontotemporal dementia (PMID: 9641683, 26220942, 27439681). It has also been observed to segregate with disease in related individuals. ClinVar contains an entry for this variant (Variation ID: 14245). Invitae Evidence Modeling of protein sequence and biophysical properties (such as structural, functional, and spatial information, amino acid conservation, physicochemical variation, residue mobility, and thermodynamic stability) indicates that this missense variant is expected to disrupt MAPT protein function with a positive predictive value of 80%. Experimental studies have shown that this missense change affects MAPT function (PMID: 9641683, 11756436, 22022446, 22723997, 25592136, 26220942, 26269332, 26519432). For these reasons, this variant has been classified as Pathogenic.

CeGaT Center for Human Genetics Tuebingen
Classification: Pathogenic. Last evaluated: 2025-03-01. Review status: criteria provided, single submitter. Criteria: CeGaT Center For Human Genetics Tuebingen Variant Classification Criteria Version 2. Collection method: clinical testing. Allele origin: germline. Affected: yes. Observed: 12 variant alleles.
Comment: MAPT: PM1, PM2, PM5, PS3:Moderate, PS4:Moderate, PP3

Mayo Clinic Laboratories, Mayo Clinic
Classification: Pathogenic. Last evaluated: 2025-02-24. Review status: criteria provided, single submitter. Criteria: ACMG Guidelines, 2015. Collection method: clinical testing. Allele origin: germline. Observed: 1 variant allele.

Institute of Medical Genetics and Applied Genomics, University Hospital Tübingen
Classification: Pathogenic for Frontotemporal dementia. Last evaluated: 2023-04-24. Review status: criteria provided, single submitter. Criteria: ACMG Guidelines, 2015. Collection method: clinical testing. Allele origin: germline. Inheritance: Autosomal dominant inheritance. Affected: yes.

GeneDx
Classification: Pathogenic. Last evaluated: 2022-06-14. Review status: criteria provided, single submitter. Criteria: GeneDx Variant Classification Process June 2021. Collection method: clinical testing. Allele origin: germline. Affected: yes.
Comment: Published functional studies showed that P301L expression disrupts interaction with the C-terminal half of MAPT and reduces the ability to bind and promote assembly of microtubules (Gunawardana et al., 2015; Hong et al., 1998); In silico analysis supports that this missense variant has a deleterious effect on protein structure/function; Not observed at significant frequency in large population cohorts (gnomAD); This variant is associated with the following publications: (PMID: 23047372, 26220942, 30279455, 11598310, 29950844, 30528841, 28934750, 23029293, 22561128, 23043292, 21555888, 21294162, 18803694, 25319522, 11081811, 24150109, 11756436, 19304664, 15831501, 23105105, 10218629, 10865093, 23659495, 11102510, 10932182, 18992292, 20097445, 21492964, 24218087, 21849646, 22365544, 22127750, 22022446, 22723997, 14757934, 26269332, 25592136, 25004446, 26146790, 12111297, 25151619, 27439681, 12473404, 9836646, 9641683, 20561037, 27859539, 9736786, 28717674, 29253099, 29568692, 29729423, 26519432, 29105852, 28268100, 31537395, 29282277, 30562452, 32741062, 33061333, 31599329, 10360762, 9811325, 10514099, 33006106, 32843152)

Athena Diagnostics
Classification: Pathogenic. Last evaluated: 2022-05-10. Review status: criteria provided, single submitter. Criteria: Athena Diagnostics Criteria. Collection method: clinical testing. Allele origin: unknown.
Comment: The frequency of this variant in the general population is consistent with pathogenicity. (Genome Aggregation Database (gnomAD), Cambridge, MA (URL)) This variant has been identified in multiple unrelated individuals with frontotemporal dementia (FTD) and associates with disease in multiple families. Assessment of experimental evidence suggests this variant results in abnormal protein function. Studies show this variant causes aggregation of tau affecting microtubule assembly (PMID: 10100642, 10214944, 10627302, 10821687, 10932182, 11013246, 11115852, 26269332).

Genetics and Molecular Pathology, SA Pathology
Classification: Pathogenic for Frontotemporal dementia. Last evaluated: 2019-08-26. Review status: criteria provided, single submitter. Criteria: ACMG Guidelines, 2015. Collection method: clinical testing. Allele origin: germline. Inheritance: Autosomal dominant inheritance. Affected: yes.
Comment: The MAPT c.1907C>T variant is classified as Pathogenic (PS4_Moderate, PS3, PM1, PP3, PP5) NM_005910.5 c.902C>T; p.Pro301Leu has been widely reported in tauopathies such as frontotemporal dementia and alzheimers disease. Mouse models have shown changes in glutamate release and uptake (PMID:25319522) PMID:30528841 - Blauwendraat et al performed a rare variant analysis of damaging mutations in autopsy-confirmed neurodegenerative cases from the Johns Hopkins Brain Resource Center. Identified the variant in one patient who presented clinically with behavioural variant FTD (frontotemporal disorder) and the autopsy showed accumulation of phosphorylated tau protein consistent with Pick's disease. PMID:25319522 - Hunsberger et al 2015. Used a mouse model and measured glutamate levels, glutamate release and uptake/clearance in hippocampus with this variant. The variant resulted in 4-7 fold increase in glutamate release and decreased clearance. This correlated with memory performance in the maze task. concluded that may be a novel way that tau may mediate hyperexcitability (that preceeds alzheimers disease) PMID:2273997 - Orr et al 2012. Used a mouse model and found that mice with the variant display cellular, histological, biochemical and behavioural abnormalities similar to those in human frontotemporal dementia.

Fulgent Genetics
Classification: Pathogenic for Parkinson disease, late-onset; Pick disease; Progressive supranuclear palsy-parkinsonism syndrome; Frontotemporal dementia; Supranuclear palsy, progressive, 1. Last evaluated: 2018-10-31. Review status: criteria provided, single submitter. Criteria: ACMG Guidelines, 2015. Collection method: clinical testing. Allele origin: unknown.

Institute of Human Genetics Munich, TUM University Hospital
Classification: Pathogenic for Frontotemporal dementia. Last evaluated: 2018-01-22. Review status: criteria provided, single submitter. Criteria: Classification criteria August 2017. Collection method: clinical testing. Allele origin: germline. Inheritance: Autosomal dominant inheritance. Affected: yes. Observed: 2 heterozygotes.